The following is an entry in ClinVar:

NM_015459.5(ATL3):c.247T>C (p.Tyr83His)

Gene: ATL3 (atlastin GTPase 3; minus strand). Cytogenetic location: 11q13.1.
Variant type: single nucleotide variant.
Coding change: c.247T>C on transcript NM_015459.5 (MANE Select); coding-DNA position 247, T replaced by C.
Protein change: p.Tyr83His; replaces tyrosine 83 with histidine.
Molecular consequence: missense variant.
Genome position (GRCh38, 1-based): chr11:63,659,052, A>G on the plus strand (T>C on the coding strand, the complement: ATL3 is on the minus strand). VCF-style: chr11-63659052-A-G. GRCh37 (hg19) VCF-style: chr11-63426524-A-G.
Other names: c.193T>C, p.Tyr65His (NM_001290048.2); short protein forms Y65H, Y83H.
Identifiers: ClinVar variation 1044031 (VCV001044031.8), dbSNP rs1940343471, ClinGen allele CA381030613.
Genomic context (GRCh38, chr11:63,659,052, plus strand): 5'-CATTAAAGTCTCACTTTTTACTTGAAATAAAATAATTCTATCTTACCTGAGAATATAAGT[A>G]TCGTAGCATAAAATCCAGAATGAAGGACTTGCCCTTTCGGAAGGCACCAGCCACTGAAAC-3'
Protein context (NP_056274.3, residues 73-93): KSFILDFMLR[Tyr83His]LYSQKESGHS

ClinVar aggregate classification (germline): Uncertain significance (1 of 4 stars; one submission).

Conditions:
Neuropathy, hereditary sensory, type 1F. Also called: Hereditary sensory neuropathy type IF; HSN IF. Identifiers: Orphanet 36386, MedGen C3810194, MONDO:0014286, OMIM 615632.

gnomAD v4.1: 1 of 1,614,138 alleles (0.000062%); highest among the groups gnomAD compares: African/African-American, 0.0013%; no homozygotes.

Submission:

Labcorp Genetics (formerly Invitae), Labcorp
Classification: Uncertain significance for Neuropathy, hereditary sensory, type 1F. Last evaluated: 2020-04-28. Review status: criteria provided, single submitter. Criteria: Invitae Variant Classification Sherloc (09022015). Collection method: clinical testing. Allele origin: germline.
Comment: This variant has not been reported in the literature in individuals with ATL3-related conditions. In summary, the available evidence is currently insufficient to determine the role of this variant in disease. Therefore, it has been classified as a Variant of Uncertain Significance. Algorithms developed to predict the effect of missense changes on protein structure and function (SIFT, PolyPhen-2, Align-GVGD) all suggest that this variant is likely to be disruptive, but these predictions have not been confirmed by published functional studies and their clinical significance is uncertain. This variant is not present in population databases (ExAC no frequency). This sequence change replaces tyrosine with histidine at codon 83 of the ATL3 protein (p.Tyr83His). The tyrosine residue is highly conserved and there is a moderate physicochemical difference between tyrosine and histidine.